The following is an entry in ClinVar:

NM_001036.6(RYR3):c.1514C>T (p.Ala505Val)

Gene: RYR3 (ryanodine receptor 3; plus strand). Cytogenetic location: 15q14.
Variant type: single nucleotide variant.
Coding change: c.1514C>T on transcript NM_001036.6 (MANE Select); coding-DNA position 1514, C replaced by T.
Protein change: p.Ala505Val; replaces alanine 505 with valine.
Molecular consequence: missense variant.
Genome position (GRCh38, 1-based): chr15:33,581,584, C>T. VCF-style: chr15-33581584-C-T. GRCh37 (hg19) VCF-style: chr15-33873785-C-T.
Other names: c.1514C>T, p.Ala505Val (NM_001243996.4); short protein forms A505V.
Identifiers: ClinVar variation 461884 (VCV000461884.8), dbSNP rs764823480, ClinGen allele CA7458155.

ClinVar aggregate classification (germline): Uncertain significance (1 of 4 stars; one submission).

Conditions:
Epileptic encephalopathy. Identifiers: MedGen C0543888, HP:0200134.

Allele frequency attached by ClinVar (database versions not stated): ExAC 0.00001; gnomAD exomes below 0.00001 and 0.00001; TOPMed 0.00001; gnomAD 0.00001.
gnomAD v4.1: 17 of 1,613,450 alleles (0.0011%); highest among the groups gnomAD compares: Non-Finnish European, 0.0014%; no homozygotes.

Submission:

Labcorp Genetics (formerly Invitae), Labcorp
Classification: Uncertain significance for Epileptic encephalopathy. Last evaluated: 2022-12-02. Review status: criteria provided, single submitter. Criteria: Invitae Variant Classification Sherloc (09022015). Collection method: clinical testing. Allele origin: germline.
Comment: In summary, the available evidence is currently insufficient to determine the role of this variant in disease. Therefore, it has been classified as a Variant of Uncertain Significance. Algorithms developed to predict the effect of missense changes on protein structure and function output the following: SIFT: "Tolerated"; PolyPhen-2: "Benign"; Align-GVGD: "Class C0". The valine amino acid residue is found in multiple mammalian species, which suggests that this missense change does not adversely affect protein function. ClinVar contains an entry for this variant (Variation ID: 461884). This variant has not been reported in the literature in individuals affected with RYR3-related conditions. This variant is present in population databases (rs764823480, gnomAD 0.0009%). This sequence change replaces alanine, which is neutral and non-polar, with valine, which is neutral and non-polar, at codon 505 of the RYR3 protein (p.Ala505Val).